The following is an entry in ClinVar:

NM_004311.4(ARL3):c.311G>A (p.Gly104Asp)

Gene: ARL3 (ARF like GTPase 3; minus strand). Cytogenetic location: 10q24.32.
Variant type: single nucleotide variant.
Coding change: c.311G>A on transcript NM_004311.4 (MANE Select); coding-DNA position 311, G replaced by A.
Protein change: p.Gly104Asp; replaces glycine 104 with aspartic acid.
Molecular consequence: missense variant.
Genome position (GRCh38, 1-based): chr10:102,689,897, C>T on the plus strand (G>A on the coding strand, the complement: ARL3 is on the minus strand). VCF-style: chr10-102689897-C-T. GRCh37 (hg19) VCF-style: chr10-104449654-C-T.
Other names: short protein forms G104D.
Identifiers: ClinVar variation 940296 (VCV000940296.9), dbSNP rs2064207823, ClinGen allele CA377921939.
Genomic context (GRCh38, chr10:102,689,897, plus strand): 5'-AAAAAGTACATACATATATATATATAAGAACTTTGATATAAAAAAGAATTATTTACCTGA[C>T]CCGTCTCTTCAAATCTTTTTCTGTCTGCACTGTCGATTACATATATCTATAAAGGAAAAG-3'
Protein context (NP_004302.1, residues 94-114): SADRKRFEET[Gly104Asp]QELAELLEEE

ClinVar aggregate classification (germline): Uncertain significance (1 of 4 stars; one submission).

Submission:

Labcorp Genetics (formerly Invitae), Labcorp
Classification: Uncertain significance. Last evaluated: 2025-03-17. Review status: criteria provided, single submitter. Criteria: Invitae Variant Classification Sherloc (09022015). Collection method: clinical testing. Allele origin: germline.
Comment: This sequence change replaces glycine, which is neutral and non-polar, with aspartic acid, which is acidic and polar, at codon 104 of the ARL3 protein (p.Gly104Asp). This variant is not present in population databases (gnomAD no frequency). This variant has not been reported in the literature in individuals affected with ARL3-related conditions. ClinVar contains an entry for this variant (Variation ID: 940296). An algorithm developed to predict the effect of missense changes on protein structure and function (PolyPhen-2) suggests that this variant is likely to be disruptive. In summary, the available evidence is currently insufficient to determine the role of this variant in disease. Therefore, it has been classified as a Variant of Uncertain Significance.